The following is an entry in ClinVar:

ClinVar aggregate classification (germline): Uncertain significance (1 of 4 stars; one submission).

Allele frequency attached by ClinVar (database versions not stated): gnomAD exomes below 0.00001.

Submission:

Labcorp Genetics (formerly Invitae), Labcorp
Classification: Uncertain significance. Last evaluated: 2022-08-15. Review status: criteria provided, single submitter. Criteria: Invitae Variant Classification Sherloc (09022015). Collection method: clinical testing. Allele origin: germline.
Comment: In summary, the available evidence is currently insufficient to determine the role of this variant in disease. Therefore, it has been classified as a Variant of Uncertain Significance. Algorithms developed to predict the effect of missense changes on protein structure and function are either unavailable or do not agree on the potential impact of this missense change (SIFT: "Tolerated"; PolyPhen-2: "Not Available"; Align-GVGD: "Class C0"). This variant has not been reported in the literature in individuals affected with KIAA1161-related conditions. This variant is not present in population databases (gnomAD no frequency). This sequence change replaces glutamic acid, which is acidic and polar, with glutamine, which is neutral and polar, at codon 7 of the KIAA1161 protein (p.Glu7Gln).

NM_020702.5(MYORG):c.19G>C (p.Glu7Gln)

Gene: MYORG (myogenesis regulating glycosidase; minus strand). Cytogenetic location: 9p13.3.
Variant type: single nucleotide variant.
Coding change: c.19G>C on transcript NM_020702.5 (MANE Select); coding-DNA position 19, G replaced by C.
Protein change: p.Glu7Gln; replaces glutamic acid 7 with glutamine.
Molecular consequence: missense variant.
Genome position (GRCh38, 1-based): chr9:34,372,925, C>G on the plus strand (G>C on the coding strand, the complement: MYORG is on the minus strand). VCF-style: chr9-34372925-C-G. GRCh37 (hg19) VCF-style: chr9-34372923-C-G.
Other names: short protein forms E7Q.
Identifiers: ClinVar variation 1958508 (VCV001958508.5), dbSNP rs2491661012, ClinGen allele CA373248377.
Genomic context (GRCh38, chr9:34,372,925, plus strand): 5'-GGTTCTGACGGTATGCGTAGCAGCCAGGCCGGCGGCGGCGGGGGTAGGCCTGGCTCTTCT[C>G]CTGAGGGTTCTGGAGCATTAGTGGGCTGCTAAGAAAGGAGCGGGCCGTGGGGCCATCTGA-3'
Protein context (NP_065753.2, residues 1-17): MLQNPQ[Glu7Gln]KSQAYPRRRR